The following is an entry in ClinVar:

ClinVar aggregate classification (germline): Pathogenic (1 of 4 stars; one submission).

Conditions:
Pyruvate dehydrogenase E1-alpha deficiency (PDHAD). Also called: Ataxia, intermittent, with pyruvate dehydrogenase, or decarboxylase, deficiency; ATAXIA, INTERMITTENT, WITH PYRUVATE DEHYDROGENASE DEFICIENCY; ATAXIA WITH LACTIC ACIDOSIS I; ATAXIA, INTERMITTENT, WITH ABNORMAL PYRUVATE METABOLISM. Identifiers: Orphanet 79243, MedGen C1839413, MONDO:0010717, OMIM 312170.

Submission:

Labcorp Genetics (formerly Invitae), Labcorp
Classification: Pathogenic for Pyruvate dehydrogenase E1-alpha deficiency. Last evaluated: 2025-01-27. Review status: criteria provided, single submitter. Criteria: Invitae Variant Classification Sherloc (09022015). Collection method: clinical testing. Allele origin: germline.
Comment: This sequence change creates a premature translational stop signal (p.Gly230Argfs*19) in the PDHA1 gene. It is expected to result in an absent or disrupted protein product. Loss-of-function variants in PDHA1 are known to be pathogenic (PMID: 10679936, 21914562). This variant is not present in population databases (gnomAD no frequency). This variant has not been reported in the literature in individuals affected with PDHA1-related conditions. ClinVar contains an entry for this variant (Variation ID: 2119720). Algorithms developed to predict the effect of sequence changes on RNA splicing suggest that this variant may disrupt the consensus splice site. For these reasons, this variant has been classified as Pathogenic.

Literature cited by the submitters: PubMed 10679936; PubMed 21914562.

NM_000284.4(PDHA1):c.688_700del (p.Gly230fs)

Gene: PDHA1 (pyruvate dehydrogenase E1 subunit alpha 1; plus strand). Cytogenetic location: Xp22.12.
Variant type: Deletion.
Coding change: c.688_700del on transcript NM_000284.4 (MANE Select); coding-DNA positions 688 to 700, 13 bases deleted (GGAACGTCTGTTG).
Protein change: p.Gly230fs; shifts the reading frame from glycine 230.
Molecular consequence: frameshift variant.
Genome position (GRCh38, 1-based): chrX:19,355,433-19,355,445, GGAACGTCTGTTG deleted; deleting any 13 consecutive bases within chrX:19,355,431-19,355,445 gives the same sequence; the c. name uses the placement nearest the transcript's 3' end. VCF-style (leftmost placement, unchanged base first): chrX-19355430-ATGGGAACGTCTGT-A. GRCh37 (hg19) VCF-style: chrX-19373548-ATGGGAACGTCTGT-A.
Other names: c.802_814del, p.Gly268fs (NM_001173454.2); c.709_721del, p.Gly237fs (NM_001173455.2); c.595_607del, p.Gly199fs (NM_001173456.2); short protein forms G230fs, G268fs, G199fs, G237fs.
Identifiers: ClinVar variation 2119720 (VCV002119720.4), dbSNP rs2518499772, ClinGen allele CA2580100434.
Genomic context (GRCh38, chrX:19,355,430, plus strand): 5'-AACATGGCAGCTTTGTGGAAATTACCTTGTATTTTCATCTGTGAGAATAATCGCTATGGA[ATGGGAACGTCTGT>A]TGAGAGAGCGGCAGCCAGCACTGATTACTACAAGAGAGGCGATTTCATTCCTGGGCTGAG-3'